The following is an entry in ClinVar:

ClinVar aggregate classification (germline): Uncertain significance (1 of 4 stars; one submission).

Allele frequency attached by ClinVar (database versions not stated): gnomAD exomes below 0.00001.
gnomAD v4.1: 3 of 1,613,814 alleles (0.00019%); highest among the groups gnomAD compares: Non-Finnish European, 0.00017%; no homozygotes.

Submission:

Labcorp Genetics (formerly Invitae), Labcorp
Classification: Uncertain significance. Last evaluated: 2021-12-23. Review status: criteria provided, single submitter. Criteria: Invitae Variant Classification Sherloc (09022015). Collection method: clinical testing. Allele origin: germline.
Comment: This sequence change falls in intron 28 of the PRPF8 gene. It does not directly change the encoded amino acid sequence of the PRPF8 protein. It affects a nucleotide within the consensus splice site. This variant is not present in population databases (gnomAD no frequency). In summary, the available evidence is currently insufficient to determine the role of this variant in disease. Therefore, it has been classified as a Variant of Uncertain Significance. Variants that disrupt the consensus splice site are a relatively common cause of aberrant splicing (PMID: 17576681, 9536098). Algorithms developed to predict the effect of sequence changes on RNA splicing suggest that this variant is not likely to affect RNA splicing. This variant has not been reported in the literature in individuals affected with PRPF8-related conditions.

Literature cited by the submitters: PubMed 17576681; PubMed 9536098.

NM_006445.4(PRPF8):c.4508+3G>A

Gene: PRPF8 (pre-mRNA processing factor 8; minus strand). Cytogenetic location: 17p13.3.
Variant type: single nucleotide variant.
Coding change: c.4508+3G>A on transcript NM_006445.4 (MANE Select); 3 bases into the intron after coding-DNA position 4508, G replaced by A.
Molecular consequence: intron variant.
Genome position (GRCh38, 1-based): chr17:1,660,990, C>T on the plus strand (G>A on the coding strand, the complement: PRPF8 is on the minus strand). VCF-style: chr17-1660990-C-T. GRCh37 (hg19) VCF-style: chr17-1564284-C-T.
Identifiers: ClinVar variation 2054600 (VCV002054600.4), dbSNP rs2543733300, ClinGen allele CA2580092442.
Genomic context (GRCh38, chr17:1,660,990, plus strand): 5'-AGGCATACAAGAGATGAGCTCAAAGGGTTGTGACAGGTCCCTCTAAGAGAGGAGAATCCT[C>T]ACCAGAAAAGCCCCTCCCAGGTAGGGAAGTAAGTGCCCTTAAAGAGTGTGTGTTCCAGAA-3'